The following is an entry in ClinVar:

NM_014712.3(SETD1A):c.4999G>A (p.Val1667Met)

Gene: SETD1A (SET domain containing 1A, histone lysine methyltransferase; plus strand). Cytogenetic location: 16p11.2.
Variant type: single nucleotide variant.
Coding change: c.4999G>A on transcript NM_014712.3 (MANE Select); coding-DNA position 4999, G replaced by A.
Protein change: p.Val1667Met; replaces valine 1667 with methionine.
Molecular consequence: missense variant.
Genome position (GRCh38, 1-based): chr16:30,983,898, G>A. VCF-style: chr16-30983898-G-A. GRCh37 (hg19) VCF-style: chr16-30995219-G-A.
Other names: short protein forms V1667M.
Identifiers: ClinVar variation 3907852 (VCV003907852.1).

ClinVar aggregate classification (germline): Uncertain significance (1 of 4 stars; one submission).

gnomAD v4.1: 1 of 1,612,788 alleles (0.000062%); highest among the groups gnomAD compares: Non-Finnish European, 0.000085%; no homozygotes.

Submission:

GeneDx
Classification: Uncertain significance. Last evaluated: 2024-12-26. Review status: criteria provided, single submitter. Criteria: GeneDx Variant Classification Process June 2021. Collection method: clinical testing. Allele origin: germline. Affected: yes.
Comment: In silico analysis supports that this missense variant has a deleterious effect on protein structure/function; Has not been previously published as pathogenic or benign to our knowledge